The following is an entry in ClinVar:

NM_024596.5(MCPH1):c.698C>A (p.Ser233Ter)

Gene: MCPH1 (microcephalin 1; plus strand). Cytogenetic location: 8p23.1.
Variant type: single nucleotide variant.
Coding change: c.698C>A on transcript NM_024596.5 (MANE Select); coding-DNA position 698, C replaced by A.
Protein change: p.Ser233Ter; replaces serine 233 with a stop codon.
Molecular consequence: nonsense. On other transcripts: non-coding transcript variant (1).
Genome position (GRCh38, 1-based): chr8:6,444,420, C>A. VCF-style: chr8-6444420-C-A. GRCh37 (hg19) VCF-style: chr8-6301941-C-A.
Other names: c.698C>A, p.Ser233Ter (NM_001172574.2, NM_001322042.2, NM_001363979.1 and 3 more transcripts); c.554C>A, p.Ser185Ter (NM_001172575.2); c.692C>A, p.Ser231Ter (NM_001322043.2); c.596C>A, p.Ser199Ter (NM_001322045.2); short protein forms S185*, S199*, S231*, S233*.
Identifiers: ClinVar variation 2691298 (VCV002691298.3), dbSNP rs1171432546, ClinGen allele CA370219460.
Genomic context (GRCh38, chr8:6,444,420, plus strand): 5'-TTTAAAAGTTAGCTCTCCGTTAATGTTTTCCAGATGAATACTTTGCTGGTGGCTTACACT[C>A]ATCTTTTGATGATCTTTGTGGAAACTCAGGATGTGGAAATCAGGAAAGGAAGTTGGAAGG-3'

ClinVar aggregate classification (germline): Pathogenic. Review status: criteria provided, multiple submitters, no conflicts (2 of 4 stars). 2 submissions from 2 submitters: Pathogenic (2). Last evaluated 2026-01-12.

Conditions:
Autosomal recessive primary microcephaly. Identifiers: Orphanet 2512, MedGen C3711387, MONDO:0016660.

Allele frequency attached by ClinVar (database versions not stated): TOPMed 0.00001; gnomAD 0.00001; gnomAD exomes 0.00001.
gnomAD v4.1: 9 of 1,614,004 alleles (0.00056%); highest among the groups gnomAD compares: Non-Finnish European, 0.00059%; no homozygotes.

Submissions (2):

Labcorp Genetics (formerly Invitae), Labcorp
Classification: Pathogenic. Last evaluated: 2026-01-12. Review status: criteria provided, single submitter. Criteria: Invitae Variant Classification Sherloc (09022015). Collection method: clinical testing. Allele origin: germline.
Comment: This sequence change creates a premature translational stop signal (p.Ser233*) in the MCPH1 gene. It is expected to result in an absent or disrupted protein product. Loss-of-function variants in MCPH1 are known to be pathogenic (PMID: 20978018). This variant is present in population databases (no rsID available, gnomAD 0.0009%). This variant has not been reported in the literature in individuals affected with MCPH1-related conditions. ClinVar contains an entry for this variant (Variation ID: 2691298). For these reasons, this variant has been classified as Pathogenic.

Women's Health and Genetics/Laboratory Corporation of America, LabCorp
Classification: Pathogenic for Autosomal recessive primary microcephaly. Last evaluated: 2023-12-15. Review status: criteria provided, single submitter. Criteria: LabCorp Variant Classification Summary - May 2015. Collection method: clinical testing. Allele origin: germline.
Comment: Variant summary: MCPH1 c.698C>A (p.Ser233X) results in a premature termination codon, predicted to cause a truncation of the encoded protein or absence of the protein due to nonsense mediated decay, which are commonly known mechanisms for disease. Variants downstream of this position have been classified as pathogenic by our laboratory. The variant allele was found at a frequency of 4e-06 in 249418 control chromosomes (gnomAD). To our knowledge, no occurrence of c.698C>A in individuals affected with Primary microcephaly and no experimental evidence demonstrating its impact on protein function have been reported. No submitters have cited clinical-significance assessments for this variant to ClinVar after 2014. Based on the evidence outlined above, the variant was classified as pathogenic.

Literature cited by the submitters: PubMed 20978018 (cited by Labcorp Genetics (formerly Invitae), Labcorp).